The following is an entry in ClinVar:

ClinVar aggregate classification (germline): Likely benign. Review status: criteria provided, multiple submitters, no conflicts (2 of 4 stars). 2 submissions from 2 submitters: Likely benign (2). Last evaluated 2025-11-06.

Conditions:
Familial hemiplegic migraine. Identifiers: MedGen C0338484, MONDO:0000700.

Allele frequency attached by ClinVar (database versions not stated): gnomAD exomes below 0.00001.
gnomAD v4.1: 2 of 1,614,080 alleles (0.00012%); highest among the groups gnomAD compares: Non-Finnish European, 0.000085%; no homozygotes.

Submissions (2):

Labcorp Genetics (formerly Invitae), Labcorp
Classification: Likely benign for Familial hemiplegic migraine. Last evaluated: 2025-11-06. Review status: criteria provided, single submitter. Criteria: Invitae Variant Classification Sherloc (09022015). Collection method: clinical testing. Allele origin: germline.

GeneDx
Classification: Likely benign. Last evaluated: 2017-08-02. Review status: criteria provided, single submitter. Criteria: GeneDx Variant Classification (06012015). Collection method: clinical testing. Allele origin: germline. Affected: yes.
Comment: This variant is considered likely benign or benign based on one or more of the following criteria: it is a conservative change, it occurs at a poorly conserved position in the protein, it is predicted to be benign by multiple in silico algorithms, and/or has population frequency not consistent with disease.

NM_000702.4(ATP1A2):c.108G>A (p.Glu36=)

Gene: ATP1A2 (ATPase Na+/K+ transporting subunit alpha 2; plus strand). Cytogenetic location: 1q23.2.
Variant type: single nucleotide variant.
Coding change: c.108G>A on transcript NM_000702.4 (MANE Select); coding-DNA position 108, G replaced by A.
Protein change: p.Glu36=; no amino-acid change (glutamic acid 36 retained).
Molecular consequence: synonymous variant.
Genome position (GRCh38, 1-based): chr1:160,121,001, G>A. VCF-style: chr1-160121001-G-A. GRCh37 (hg19) VCF-style: chr1-160090791-G-A.
Identifiers: ClinVar variation 511793 (VCV000511793.2), dbSNP rs1553244021, ClinGen allele CA421350073.